The following is an entry in ClinVar:

NM_001122630.2(CDKN1C):c.568_569insTCGCGG (p.Pro189_Ala190insValAla)

Gene: CDKN1C (cyclin dependent kinase inhibitor 1C; minus strand). Cytogenetic location: 11p15.4.
Variant type: Insertion.
Coding change: c.568_569insTCGCGG on transcript NM_001122630.2 (MANE Select); coding-DNA positions 568 to 569, TCGCGG inserted.
Protein change: p.Pro189_Ala190insValAla.
Molecular consequence: inframe insertion. On other transcripts: intron variant (1).
Genome position: GRCh38 VCF-style: chr11-2884888-G-GCCGCGA. GRCh37 (hg19) VCF-style: chr11-2906118-G-GCCGCGA.
Other names: c.601_602insTCGCGG, p.Pro200_Ala201insValAla (NM_000076.2, NM_001362474.2); c.568_569insTCGCGG, p.Pro189_Ala190insValAla (NM_001122631.2); c.255+313_255+314insGTCGCG (NM_001362475.2).
Identifiers: ClinVar variation 1377214 (VCV001377214.8), dbSNP rs1848936176, ClinGen allele CA1948368447.

ClinVar aggregate classification (germline): Uncertain significance (1 of 4 stars; one submission).

Conditions:
Beckwith-Wiedemann syndrome (BWS). Also called: Exomphalos macroglossia gigantism syndrome; EMG SYNDROME. Identifiers: Orphanet 116, MedGen C0004903, MONDO:0007534, OMIM 130650.

Submission:

Labcorp Genetics (formerly Invitae), Labcorp
Classification: Uncertain significance for Beckwith-Wiedemann syndrome. Last evaluated: 2024-01-06. Review status: criteria provided, single submitter. Criteria: Invitae Variant Classification Sherloc (09022015). Collection method: clinical testing. Allele origin: germline.
Comment: This variant, c.601_602insTCGCGG, results in the insertion of 2 amino acid(s) of the CDKN1C protein (p.Pro200_Ala201insValAla), but otherwise preserves the integrity of the reading frame. The frequency data for this variant in the population databases is considered unreliable, as metrics indicate insufficient coverage at this position in the gnomAD database. This variant has not been reported in the literature in individuals affected with CDKN1C-related conditions. ClinVar contains an entry for this variant (Variation ID: 1377214). In summary, the available evidence is currently insufficient to determine the role of this variant in disease. Therefore, it has been classified as a Variant of Uncertain Significance.